The following is an entry in ClinVar:

NM_001282225.2(ADA2):c.361A>G (p.Met121Val)

Gene: ADA2 (adenosine deaminase 2; minus strand). Cytogenetic location: 22q11.1.
Variant type: single nucleotide variant.
Coding change: c.361A>G on transcript NM_001282225.2 (MANE Select); coding-DNA position 361, A replaced by G.
Protein change: p.Met121Val; replaces methionine 121 with valine.
Molecular consequence: missense variant. On other transcripts: initiator codon variant (1).
Genome position (GRCh38, 1-based): chr22:17,207,252, T>C on the plus strand (A>G on the coding strand, the complement: ADA2 is on the minus strand). VCF-style: chr22-17207252-T-C. GRCh37 (hg19) VCF-style: chr22-17688142-T-C.
Other names: c.361A>G, p.Met121Val (NM_001282226.2); c.235A>G, p.Met79Val (NM_001282227.2, NM_001282228.2); c.1A>G, p.Met1Val (NM_001282229.2); short protein forms M79V, M121V, M1V.
Identifiers: ClinVar variation 2174461 (VCV002174461.6), dbSNP rs750075105, ClinGen allele CA10088255.
Genomic context (GRCh38, chr22:17,207,252, plus strand): 5'-TTGGGGTGAAACAGATGTGGCAGTGAGGCCTGTAGGTGACATTCCTCACCAGCCAGTCCA[T>C]AGTCACGATGCCAATGTCATGGAGGTGCAAGGCAGCCCCTGGAGAGGGAAGAAGAATGGT-3'
Protein context (NP_001269154.1, residues 111-131): LHLHDIGIVT[Met121Val]DWLVRNVTYR

ClinVar aggregate classification (germline): Uncertain significance. Review status: criteria provided, multiple submitters, no conflicts (2 of 4 stars). 3 submissions from 3 submitters: Uncertain significance (3). Last evaluated 2025-01-01.

Conditions:
Sneddon syndrome (SNDNS). Also called: Idiopathic livedo reticularis with systemic involvement; LIVEDO RETICULARIS AND CEREBROVASCULAR ACCIDENTS. Identifiers: Orphanet 820, MedGen C0282492, MONDO:0008436, OMIM 182410.
Deficiency of adenosine deaminase 2. Also called: Polyarteritis nodosa, childhoood-onset; Adenosine Deaminase 2 Deficiency; VASCULITIS, AUTOINFLAMMATION, IMMUNODEFICIENCY, AND HEMATOLOGIC DEFECTS SYNDROME. Identifiers: Orphanet 404553, MedGen C3887654, MONDO:0014306, OMIM 615688, MONDO:0100317.

Allele frequency attached by ClinVar (database versions not stated): ExAC 0.00001; gnomAD exomes 0.00001; TOPMed 0.00001.

Submissions (3):

Labcorp Genetics (formerly Invitae), Labcorp
Classification: Uncertain significance for Deficiency of adenosine deaminase 2. Last evaluated: 2025-01-01. Review status: criteria provided, single submitter. Criteria: Invitae Variant Classification Sherloc (09022015). Collection method: clinical testing. Allele origin: germline.
Comment: This sequence change replaces methionine, which is neutral and non-polar, with valine, which is neutral and non-polar, at codon 121 of the ADA2 protein (p.Met121Val). This variant is present in population databases (rs750075105, gnomAD 0.03%). This variant has not been reported in the literature in individuals affected with ADA2-related conditions. ClinVar contains an entry for this variant (Variation ID: 2174461). Invitae Evidence Modeling of protein sequence and biophysical properties (such as structural, functional, and spatial information, amino acid conservation, physicochemical variation, residue mobility, and thermodynamic stability) indicates that this missense variant is not expected to disrupt ADA2 protein function with a negative predictive value of 95%. In summary, the available evidence is currently insufficient to determine the role of this variant in disease. Therefore, it has been classified as a Variant of Uncertain Significance.

Fulgent Genetics
Classification: Uncertain significance for Sneddon syndrome; Deficiency of adenosine deaminase 2. Last evaluated: 2024-04-29. Review status: criteria provided, single submitter. Criteria: ACMG Guidelines, 2015. Collection method: clinical testing. Allele origin: germline.

Blueprint Genetics
Classification: Uncertain significance. Last evaluated: 2024-01-23. Review status: criteria provided, single submitter. Criteria: ACMG Guidelines, 2015. Collection method: clinical testing. Allele origin: germline.